The following is an entry in ClinVar:

NM_001385641.1(SAMD11):c.890G>T (p.Arg297Leu)

Gene: SAMD11 (sterile alpha motif domain containing 11; plus strand). Cytogenetic location: 1p36.33.
Variant type: single nucleotide variant.
Coding change: c.890G>T on transcript NM_001385641.1 (MANE Select); coding-DNA position 890, G replaced by T.
Protein change: p.Arg297Leu; replaces arginine 297 with leucine.
Molecular consequence: missense variant.
Genome position (GRCh38, 1-based): chr1:935,819, G>T. VCF-style: chr1-935819-G-T. GRCh37 (hg19) VCF-style: chr1-871199-G-T.
Other names: c.890G>T, p.Arg297Leu (NM_001385640.1); c.353G>T, p.Arg118Leu (NM_152486.4); c.353G>T (NM_152486.2); short protein forms R118L, R297L.
Identifiers: ClinVar variation 1008984 (VCV001008984.9), dbSNP rs756140787, ClinGen allele CA337797681.

ClinVar aggregate classification (germline): Uncertain significance. Review status: criteria provided, multiple submitters, no conflicts (2 of 4 stars). 2 submissions from 2 submitters: Uncertain significance (2). Last evaluated 2022-10-25.

Submissions (2):

Labcorp Genetics (formerly Invitae), Labcorp
Classification: Uncertain significance. Last evaluated: 2022-10-25. Review status: criteria provided, single submitter. Criteria: Invitae Variant Classification Sherloc (09022015). Collection method: clinical testing. Allele origin: germline.
Comment: This sequence change replaces arginine, which is basic and polar, with leucine, which is neutral and non-polar, at codon 118 of the SAMD11 protein (p.Arg118Leu). This variant is present in population databases (no rsID available, gnomAD 0.003%). This variant has not been reported in the literature in individuals affected with SAMD11-related conditions. ClinVar contains an entry for this variant (Variation ID: 1008984). Algorithms developed to predict the effect of missense changes on protein structure and function are either unavailable or do not agree on the potential impact of this missense change (SIFT: "Deleterious"; PolyPhen-2: "Possibly Damaging"; Align-GVGD: "Class C0"). In summary, the available evidence is currently insufficient to determine the role of this variant in disease. Therefore, it has been classified as a Variant of Uncertain Significance.

Ambry Genetics
Classification: Uncertain significance. Last evaluated: 2022-10-04. Review status: criteria provided, single submitter. Criteria: Ambry Variant Classification Scheme 2023. Collection method: clinical testing. Allele origin: germline.